The following is an entry in ClinVar:

NM_033641.4(COL4A6):c.4831G>C (p.Glu1611Gln)

Gene: COL4A6 (collagen type IV alpha 6 chain; minus strand). Cytogenetic location: Xq22.3.
Variant type: single nucleotide variant.
Coding change: c.4831G>C on transcript NM_033641.4 (MANE Select); coding-DNA position 4831, G replaced by C.
Protein change: p.Glu1611Gln; replaces glutamic acid 1611 with glutamine.
Molecular consequence: missense variant.
Genome position (GRCh38, 1-based): chrX:108,157,242, C>G on the plus strand (G>C on the coding strand, the complement: COL4A6 is on the minus strand). VCF-style: chrX-108157242-C-G. GRCh37 (hg19) VCF-style: chrX-107400472-C-G.
Other names: c.4834G>C (NM_001847.3, NM_001847.2); c.4882G>C, p.Glu1628Gln (NM_001287758.2); c.4759G>C, p.Glu1587Gln (NM_001287759.2); c.4660G>C, p.Glu1554Gln (NM_001287760.2); c.4834G>C, p.Glu1612Gln (NM_001847.4); short protein forms E1611Q, E1612Q, E1628Q, E1554Q, E1587Q.
Identifiers: ClinVar variation 2703840 (VCV002703840.6), dbSNP rs774819718, ClinGen allele CA10487101.

ClinVar aggregate classification (germline): Uncertain significance. Review status: criteria provided, multiple submitters, no conflicts (2 of 4 stars). 4 submissions from 4 submitters: Uncertain significance (4). Last evaluated 2026-02-08.

Conditions:
COL4A6-related disorder. Also called: COL4A6-related condition.

Allele frequency attached by ClinVar (database versions not stated): gnomAD 0.00004; TOPMed 0.00006.
gnomAD v4.1: 67 of 1,208,610 alleles (0.0055%); highest among the groups gnomAD compares: Admixed American, 0.013%; no homozygotes.

Submissions (4):

PreventionGenetics, part of Exact Sciences
Classification: Uncertain significance for COL4A6-related condition. Last evaluated: 2026-02-08. Review status: criteria provided, single submitter. Criteria: ACMG Guidelines, 2015. Collection method: clinical testing. Allele origin: germline.
Comment: The COL4A6 c.4834G>C variant is predicted to result in the amino acid substitution p.Glu1612Gln. To our knowledge, this variant has not been reported in the literature. This variant is reported in 0.011% of alleles in individuals of Latino descent in gnomAD. At this time, the clinical significance of this variant is uncertain due to the absence of conclusive functional and genetic evidence.

Women's Health and Genetics/Laboratory Corporation of America, LabCorp
Classification: Uncertain significance. Last evaluated: 2025-07-30. Review status: criteria provided, single submitter. Criteria: LabCorp Variant Classification Summary - May 2015. Collection method: clinical testing. Allele origin: germline.
Comment: Variant summary: COL4A6 c.4834G>C (p.Glu1612Gln) results in a conservative amino acid change in the encoded protein sequence. Algorithms developed to predict the effect of missense changes on protein structure and function are either unavailable or do not agree on the potential impact of this missense change. The variant allele was found at a frequency of 2.8e-05 in 181553 control chromosomes. The available data on variant occurrences in the general population are insufficient to allow any conclusion about variant significance. To our knowledge, no occurrence of c.4834G>C in individuals affected with Deafness, X-Linked 6 and no experimental evidence demonstrating its impact on protein function have been reported. ClinVar contains an entry for this variant (Variation ID: 2703840). Based on the evidence outlined above, the variant was classified as uncertain significance.

Ambry Genetics
Classification: Uncertain significance. Last evaluated: 2023-12-14. Review status: criteria provided, single submitter. Criteria: Ambry Variant Classification Scheme 2023. Collection method: clinical testing. Allele origin: germline.

Labcorp Genetics (formerly Invitae), Labcorp
Classification: Uncertain significance. Last evaluated: 2023-10-23. Review status: criteria provided, single submitter. Criteria: Invitae Variant Classification Sherloc (09022015). Collection method: clinical testing. Allele origin: germline.
Comment: This sequence change replaces glutamic acid, which is acidic and polar, with glutamine, which is neutral and polar, at codon 1612 of the COL4A6 protein (p.Glu1612Gln). This variant is present in population databases (rs774819718, gnomAD 0.01%). This variant has not been reported in the literature in individuals affected with COL4A6-related conditions. Advanced modeling of protein sequence and biophysical properties (such as structural, functional, and spatial information, amino acid conservation, physicochemical variation, residue mobility, and thermodynamic stability) performed at Invitae indicates that this missense variant is not expected to disrupt COL4A6 protein function. In summary, the available evidence is currently insufficient to determine the role of this variant in disease. Therefore, it has been classified as a Variant of Uncertain Significance.